The following is an entry in ClinVar:

ClinVar aggregate classification (germline): Uncertain significance. Review status: criteria provided, multiple submitters, no conflicts (2 of 4 stars). 2 submissions from 2 submitters: Uncertain significance (2). Last evaluated 2025-12-09.

Conditions:
POMC-related disorder. Also called: POMC-related condition; POMC-related disorders.

Allele frequency attached by ClinVar (database versions not stated): ExAC 0.00005; gnomAD 0.00007; TOPMed 0.00011.

Submissions (2):

PreventionGenetics, part of Exact Sciences
Classification: Uncertain significance for POMC-related condition. Last evaluated: 2025-12-09. Review status: criteria provided, single submitter. Criteria: ACMG Guidelines, 2015. Collection method: clinical testing. Allele origin: germline.
Comment: The POMC c.626T>C variant is predicted to result in the amino acid substitution p.Leu209Pro. This variant has been reported in individuals with an obesity phenotype (Table 3, Courbage et al. 2021. PubMed ID: 34097736; Dubern et al. 2008. PubMed ID: 18091355; Supplemental Data Set, Shah et al. 2023. PubMed ID: 36864747). In vitro functional studies showed this variant did not reduce protein function and could cause increased function (Supplemental Data Set 3, Shah et al. 2023. PubMed ID: 36864747). This variant is reported in 0.023% of alleles in individuals of Latino descent in gnomAD. At this time, the clinical significance of this variant is uncertain due to the absence of conclusive functional and genetic evidence.

Labcorp Genetics (formerly Invitae), Labcorp
Classification: Uncertain significance. Last evaluated: 2024-03-12. Review status: criteria provided, single submitter. Criteria: Invitae Variant Classification Sherloc (09022015). Collection method: clinical testing. Allele origin: germline.
Comment: This sequence change replaces leucine, which is neutral and non-polar, with proline, which is neutral and non-polar, at codon 209 of the POMC protein (p.Leu209Pro). This variant is present in population databases (rs758614198, gnomAD 0.02%), including at least one homozygous and/or hemizygous individual. This missense change has been observed in individual(s) with obesity (PMID: 34097736). ClinVar contains an entry for this variant (Variation ID: 2634265). Advanced modeling of protein sequence and biophysical properties (such as structural, functional, and spatial information, amino acid conservation, physicochemical variation, residue mobility, and thermodynamic stability) performed at Invitae indicates that this missense variant is not expected to disrupt POMC protein function with a negative predictive value of 80%. In summary, the available evidence is currently insufficient to determine the role of this variant in disease. Therefore, it has been classified as a Variant of Uncertain Significance.

Literature cited by the submitters: PubMed 34097736 (cited by Labcorp Genetics (formerly Invitae), Labcorp).

NM_000939.4(POMC):c.626T>C (p.Leu209Pro)

Gene: POMC (proopiomelanocortin; minus strand). Cytogenetic location: 2p23.3.
Variant type: single nucleotide variant.
Coding change: c.626T>C on transcript NM_000939.4 (MANE Select); coding-DNA position 626, T replaced by C.
Protein change: p.Leu209Pro; replaces leucine 209 with proline.
Molecular consequence: missense variant.
Genome position (GRCh38, 1-based): chr2:25,161,259, A>G on the plus strand (T>C on the coding strand, the complement: POMC is on the minus strand). VCF-style: chr2-25161259-A-G. GRCh37 (hg19) VCF-style: chr2-25384128-A-G.
Other names: c.626T>C, p.Leu209Pro (NM_001035256.3, NM_001319204.2, NM_001319205.2); short protein forms L209P.
Identifiers: ClinVar variation 2634265 (VCV002634265.6), dbSNP rs758614198, ClinGen allele CA1555254.